The following is an entry in ClinVar:

NM_004821.3(HAND1):c.587A>G (p.Lys196Arg)

Gene: HAND1 (heart and neural crest derivatives expressed 1; minus strand). Cytogenetic location: 5q33.2.
Variant type: single nucleotide variant.
Coding change: c.587A>G on transcript NM_004821.3 (MANE Select); coding-DNA position 587, A replaced by G.
Protein change: p.Lys196Arg; replaces lysine 196 with arginine.
Molecular consequence: missense variant.
Genome position (GRCh38, 1-based): chr5:154,475,867, T>C on the plus strand (A>G on the coding strand, the complement: HAND1 is on the minus strand). VCF-style: chr5-154475867-T-C. GRCh37 (hg19) VCF-style: chr5-153855427-T-C.
Other names: short protein forms K196R.
Identifiers: ClinVar variation 240076 (VCV000240076.8), dbSNP rs878854747, ClinGen allele CA10582410.

ClinVar aggregate classification (germline): Uncertain significance (1 of 4 stars; one submission).

Conditions:
Hypoplastic left heart syndrome. Also called: Hypoplastic left ventricle; Hypoplastic left heart. Identifiers: Orphanet 2248, MedGen C0152101, MONDO:0004933, HP:0004383.

gnomAD v4.1: 2 of 1,614,084 alleles (0.00012%); highest among the groups gnomAD compares: Admixed American, 0.0033%; no homozygotes.

Submission:

Labcorp Genetics (formerly Invitae), Labcorp
Classification: Uncertain significance for Hypoplastic left heart syndrome. Last evaluated: 2024-03-12. Review status: criteria provided, single submitter. Criteria: Invitae Variant Classification Sherloc (09022015). Collection method: clinical testing. Allele origin: germline.
Comment: This sequence change replaces lysine, which is basic and polar, with arginine, which is basic and polar, at codon 196 of the HAND1 protein (p.Lys196Arg). This variant is not present in population databases (gnomAD no frequency). This variant has not been reported in the literature in individuals affected with HAND1-related conditions. ClinVar contains an entry for this variant (Variation ID: 240076). An algorithm developed to predict the effect of missense changes on protein structure and function (PolyPhen-2) suggests that this variant is likely to be disruptive. In summary, the available evidence is currently insufficient to determine the role of this variant in disease. Therefore, it has been classified as a Variant of Uncertain Significance.